The following is an entry in ClinVar:

NM_145045.5(ODAD3):c.173T>C (p.Phe58Ser)

Gene: ODAD3 (outer dynein arm docking complex subunit 3; minus strand). Cytogenetic location: 19p13.2.
Variant type: single nucleotide variant.
Coding change: c.173T>C on transcript NM_145045.5 (MANE Select); coding-DNA position 173, T replaced by C.
Protein change: p.Phe58Ser; replaces phenylalanine 58 with serine.
Molecular consequence: missense variant. On other transcripts: intron variant (1).
Genome position (GRCh38, 1-based): chr19:11,434,844, A>G on the plus strand (T>C on the coding strand, the complement: ODAD3 is on the minus strand). VCF-style: chr19-11434844-A-G. GRCh37 (hg19) VCF-style: chr19-11545665-A-G.
Other names: c.173T>C, p.Phe58Ser (NM_001302454.2); c.82+846T>C (NM_001302453.1); short protein forms F58S.
Identifiers: ClinVar variation 221005 (VCV000221005.48), dbSNP rs61741137, ClinGen allele CA348158.

ClinVar aggregate classification (germline): Benign. Review status: criteria provided, multiple submitters, no conflicts (2 of 4 stars). 7 submissions from 7 submitters: Benign (7). Last evaluated 2026-03-01.

Conditions:
Primary ciliary dyskinesia 30. Also called: CILIARY DYSKINESIA, PRIMARY, 30, WITH OR WITHOUT SITUS INVERSUS. Identifiers: Orphanet 244, MedGen C4015016, MONDO:0014465, OMIM 616037.

Allele frequency attached by ClinVar (database versions not stated): 1000 Genomes Project 0.00439; 1000 Genomes Project 30x 0.00484; gnomAD 0.00736 and 0.00754; TOPMed 0.00776; gnomAD exomes 0.00855 and 0.01279; ESP Exome Variant Server 0.00893; ExAC 0.00903.
gnomAD v4.1: 19,675 of 1,614,158 alleles (1.2%); highest among the groups gnomAD compares: Non-Finnish European, 1.5%; 162 homozygotes.

Submissions (7):

CeGaT Center for Human Genetics Tuebingen
Classification: Benign. Last evaluated: 2026-03-01. Review status: criteria provided, single submitter. Criteria: CeGaT Center For Human Genetics Tuebingen Variant Classification Criteria Version 2. Collection method: clinical testing. Allele origin: germline. Affected: yes. Observed: 7 variant alleles.
Comment: ODAD3: BP4, BS1, BS2

Labcorp Genetics (formerly Invitae), Labcorp
Classification: Benign for Primary ciliary dyskinesia 30. Last evaluated: 2026-02-02. Review status: criteria provided, single submitter. Criteria: Invitae Variant Classification Sherloc (09022015). Collection method: clinical testing. Allele origin: germline.

ARUP Laboratories, Molecular Genetics and Genomics, ARUP Laboratories
Classification: Benign for Primary ciliary dyskinesia 30. Last evaluated: 2025-07-02. Review status: criteria provided, single submitter. Criteria: ARUP Molecular Germline Variant Investigation Process 2024. Collection method: clinical testing. Allele origin: germline.

Mayo Clinic Laboratories, Mayo Clinic
Classification: Benign. Last evaluated: 2023-06-21. Review status: criteria provided, single submitter. Criteria: ACMG Guidelines, 2015. Collection method: clinical testing. Allele origin: germline. Observed: 6 variant alleles.
Comment: BS1, BS2, BP1, BP4

GeneDx
Classification: Benign. Last evaluated: 2020-06-16. Review status: criteria provided, single submitter. Criteria: GeneDx Variant Classification Process June 2021. Collection method: clinical testing. Allele origin: germline. Affected: yes.

Laboratory for Molecular Medicine, Mass General Brigham Personalized Medicine
Classification: Benign. Last evaluated: 2016-03-29. Review status: criteria provided, single submitter. Criteria: LMM Criteria. Collection method: clinical testing. Allele origin: germline.
Comment: Variant identified in a genome or exome case(s) and assessed due to predicted null impact of the variant or pathogenic assertions in the literature or databases. Disclaimer: This variant has not undergone full assessment. The following are preliminary notes: Frequency

Breakthrough Genomics
Classification: Benign. Review status: criteria provided, single submitter. Criteria: ACMG Guidelines, 2015. Collection method: not provided. Allele origin: germline. Inheritance: Autosomal recessive inheritance. Affected: yes.